The following is an entry in ClinVar:

NM_021008.4(DEAF1):c.429C>T (p.Thr143=)

Gene: DEAF1 (DEAF1 transcription factor; minus strand). Cytogenetic location: 11p15.5.
Variant type: single nucleotide variant.
Coding change: c.429C>T on transcript NM_021008.4 (MANE Select); coding-DNA position 429, C replaced by T.
Protein change: p.Thr143=; no amino-acid change (threonine 143 retained).
Molecular consequence: synonymous variant. On other transcripts: 5 prime UTR variant (1).
Genome position (GRCh38, 1-based): chr11:688,419, G>A on the plus strand (C>T on the coding strand, the complement: DEAF1 is on the minus strand). VCF-style: chr11-688419-G-A. GRCh37 (hg19) VCF-style: chr11-688419-G-A.
Other names: c.429C>T, p.Thr143= (NM_001293634.2); c.-298C>T (NM_001367390.1).
Identifiers: ClinVar variation 2167851 (VCV002167851.22), dbSNP rs760007246, ClinGen allele CA5786547.

ClinVar aggregate classification (germline): Likely benign. Review status: criteria provided, multiple submitters, no conflicts (2 of 4 stars). 2 submissions from 2 submitters: Likely benign (2). Last evaluated 2025-11-01.

Allele frequency attached by ClinVar (database versions not stated): gnomAD 0.00001; ExAC 0.00002; TOPMed 0.00003; gnomAD exomes 0.00006.
gnomAD v4.1: 96 of 1,613,722 alleles (0.0059%); highest among the groups gnomAD compares: Non-Finnish European, 0.0067%; no homozygotes.

Submissions (2):

CeGaT Center for Human Genetics Tuebingen
Classification: Likely benign. Last evaluated: 2025-11-01. Review status: criteria provided, single submitter. Criteria: CeGaT Center For Human Genetics Tuebingen Variant Classification Criteria Version 2. Collection method: clinical testing. Allele origin: germline. Affected: yes. Observed: 2 variant alleles.
Comment: DEAF1: BP4, BP7

Labcorp Genetics (formerly Invitae), Labcorp
Classification: Likely benign. Last evaluated: 2025-10-11. Review status: criteria provided, single submitter. Criteria: Invitae Variant Classification Sherloc (09022015). Collection method: clinical testing. Allele origin: germline.